The following is an entry in ClinVar:

NM_002335.4(LRP5):c.2497A>G (p.Met833Val)

Gene: LRP5 (LDL receptor related protein 5; plus strand). Cytogenetic location: 11q13.2.
Variant type: single nucleotide variant.
Coding change: c.2497A>G on transcript NM_002335.4 (MANE Select); coding-DNA position 2497, A replaced by G.
Protein change: p.Met833Val; replaces methionine 833 with valine.
Molecular consequence: missense variant.
Genome position (GRCh38, 1-based): chr11:68,411,614, A>G. VCF-style: chr11-68411614-A-G. GRCh37 (hg19) VCF-style: chr11-68179082-A-G.
Other names: c.2497A>G (NM_002335.2); c.754A>G, p.Met252Val (NM_001291902.2); short protein forms M252V, M833V.
Identifiers: ClinVar variation 1720607 (VCV001720607.6), dbSNP rs2496749160, ClinGen allele CA381617348.

ClinVar aggregate classification (germline): Uncertain significance. Review status: criteria provided, multiple submitters, no conflicts (2 of 4 stars). 2 submissions from 2 submitters: Uncertain significance (2). Last evaluated 2025-02-12.

Submissions (2):

GeneDx
Classification: Uncertain significance. Last evaluated: 2025-02-12. Review status: criteria provided, single submitter. Criteria: GeneDx Variant Classification Process June 2021. Collection method: clinical testing. Allele origin: germline. Affected: yes.
Comment: Not observed at significant frequency in large population cohorts (gnomAD); In silico analysis indicates that this missense variant does not alter protein structure/function; Has not been previously published as pathogenic or benign to our knowledge

Labcorp Genetics (formerly Invitae), Labcorp
Classification: Uncertain significance. Last evaluated: 2022-09-28. Review status: criteria provided, single submitter. Criteria: Invitae Variant Classification Sherloc (09022015). Collection method: clinical testing. Allele origin: germline.
Comment: In summary, the available evidence is currently insufficient to determine the role of this variant in disease. Therefore, it has been classified as a Variant of Uncertain Significance. Advanced modeling of protein sequence and biophysical properties (such as structural, functional, and spatial information, amino acid conservation, physicochemical variation, residue mobility, and thermodynamic stability) performed at Invitae indicates that this missense variant is not expected to disrupt LRP5 protein function. This variant has not been reported in the literature in individuals affected with LRP5-related conditions. This variant is not present in population databases (gnomAD no frequency). This sequence change replaces methionine, which is neutral and non-polar, with valine, which is neutral and non-polar, at codon 833 of the LRP5 protein (p.Met833Val).